The following is an entry in ClinVar:

ClinVar aggregate classification (germline): Conflicting classifications of pathogenicity. Review status: criteria provided, conflicting classifications (1 of 4 stars). 5 submissions from 5 submitters: Uncertain significance (4); Likely benign (1). Last evaluated 2025-07-24.

Conditions:
Inborn genetic diseases. Identifiers: MedGen C0950123, MeSH D030342.

Allele frequency attached by ClinVar (database versions not stated): 1000 Genomes Project 0.00040; gnomAD 0.00060 and 0.00064; 1000 Genomes Project 30x 0.00062; TOPMed 0.00076; ESP Exome Variant Server 0.00081.
gnomAD v4.1: 173 of 1,613,954 alleles (0.011%); highest among the groups gnomAD compares: African/African-American, 0.21%; no homozygotes.

Submissions (5):

Labcorp Genetics (formerly Invitae), Labcorp
Classification: Likely benign. Last evaluated: 2025-07-24. Review status: criteria provided, single submitter. Criteria: Invitae Variant Classification Sherloc (09022015). Collection method: clinical testing. Allele origin: germline.

Ambry Genetics
Classification: Uncertain significance for Inborn genetic diseases. Last evaluated: 2024-05-30. Review status: criteria provided, single submitter. Criteria: Ambry Variant Classification Scheme 2023. Collection method: clinical testing. Allele origin: germline.

Blueprint Genetics
Classification: Uncertain significance. Last evaluated: 2023-07-27. Review status: criteria provided, single submitter. Criteria: ACMG Guidelines, 2015. Collection method: clinical testing. Allele origin: germline.

GeneDx
Classification: Uncertain significance. Last evaluated: 2020-05-21. Review status: criteria provided, single submitter. Criteria: GeneDx Variant Classification Process June 2021. Collection method: clinical testing. Allele origin: germline. Affected: yes.
Comment: In silico analysis, which includes protein predictors and evolutionary conservation, supports that this variant does not alter protein structure/function; Has not been previously published as pathogenic or benign to our knowledge

Eurofins Ntd Llc (ga)
Classification: Uncertain significance. Last evaluated: 2015-06-04. Review status: criteria provided, single submitter. Criteria: EGL Classification Definitions 2015. Collection method: clinical testing. Allele origin: germline. Observed: 1 variant allele, 1 heterozygote.

NM_001379081.2(FREM1):c.3631C>T (p.Pro1211Ser)

Gene: FREM1 (FRAS1 related extracellular matrix 1; minus strand). Cytogenetic location: 9p22.3.
Variant type: single nucleotide variant.
Coding change: c.3631C>T on transcript NM_001379081.2 (MANE Select); coding-DNA position 3631, C replaced by T.
Protein change: p.Pro1211Ser; replaces proline 1211 with serine.
Molecular consequence: missense variant. On other transcripts: non-coding transcript variant (2).
Genome position (GRCh38, 1-based): chr9:14,801,715, G>A on the plus strand (C>T on the coding strand, the complement: FREM1 is on the minus strand). VCF-style: chr9-14801715-G-A. GRCh37 (hg19) VCF-style: chr9-14801713-G-A.
Other names: c.3631C>T, p.Pro1211Ser (NM_144966.7); short protein forms P1211S.
Identifiers: ClinVar variation 195629 (VCV000195629.17), dbSNP rs76714828, ClinGen allele CA242107.